The following is an entry in ClinVar:

ClinVar aggregate classification (germline): Uncertain significance (1 of 4 stars; one submission).

Conditions:
Inborn genetic diseases. Identifiers: MedGen C0950123, MeSH D030342.

gnomAD v4.1: 31 of 1,614,018 alleles (0.0019%); highest among the groups gnomAD compares: South Asian, 0.014%; no homozygotes.

Submission:

Ambry Genetics
Classification: Uncertain significance for Inborn genetic diseases. Last evaluated: 2024-12-13. Review status: criteria provided, single submitter. Criteria: Ambry Variant Classification Scheme 2023. Collection method: clinical testing. Allele origin: germline.
Comment: The p.R551Q variant (also known as c.1652G>A), located in coding exon 7 of the SH2B3 gene, results from a G to A substitution at nucleotide position 1652. The arginine at codon 551 is replaced by glutamine, an amino acid with highly similar properties. This amino acid position is conserved. In addition, this alteration is predicted to be tolerated by in silico analysis. Based on the available evidence, the clinical significance of this variant remains unclear.

NM_005475.3(SH2B3):c.1652G>A (p.Arg551Gln)

Gene: SH2B3 (SH2B adaptor protein 3; plus strand). Cytogenetic location: 12q24.12.
Variant type: single nucleotide variant.
Coding change: c.1652G>A on transcript NM_005475.3 (MANE Select); coding-DNA position 1652, G replaced by A.
Protein change: p.Arg551Gln; replaces arginine 551 with glutamine.
Molecular consequence: missense variant.
Genome position (GRCh38, 1-based): chr12:111,448,226, G>A. VCF-style: chr12-111448226-G-A. GRCh37 (hg19) VCF-style: chr12-111886030-G-A.
Other names: c.1046G>A, p.Arg349Gln (NM_001291424.1); short protein forms R551Q, R349Q.
Identifiers: ClinVar variation 3794989 (VCV003794989.1).